The following is an entry in ClinVar:

ClinVar aggregate classification (germline): Conflicting classifications of pathogenicity. Review status: criteria provided, conflicting classifications (1 of 4 stars). 8 submissions from 8 submitters: Pathogenic (2); Likely pathogenic (3); Uncertain significance (2). 1 of the submissions does not count toward it. Last evaluated 2025-12-29.

Conditions:
HSPA9-related disorder. Also called: HSPA9-related condition.
Even-plus syndrome (EVPLS). Also called: EPIPHYSEAL AND VERTEBRAL DYSPLASIA, MICROTIA, AND FLAT NOSE, PLUS ASSOCIATED MALFORMATIONS. Identifiers: Orphanet 496751, MedGen C4225180, MONDO:0014801, OMIM 616854.
Autosomal dominant sideroblastic anemia. Also called: Anemia, sideroblastic, 4. Identifiers: Orphanet 260305, MedGen C4225428, MONDO:0008422, OMIM 182170.

Allele frequency attached by ClinVar (database versions not stated): gnomAD 0.00006; TOPMed 0.00009; gnomAD exomes 0.00012 and 0.00015; ExAC 0.00020.

Submissions (8):

Center for Genomic Medicine, Rigshospitalet, Copenhagen University Hospital
Classification: Likely pathogenic. Last evaluated: 2025-12-29. Review status: criteria provided, single submitter. Criteria: ACMG Guidelines, 2015. Collection method: clinical testing. Allele origin: germline.
Comment: Classification criteria: PVS1, PM2_Supporting

Revvity Omics, Revvity
Classification: Likely pathogenic. Last evaluated: 2025-03-19. Review status: criteria provided, single submitter. Criteria: ACMG Guidelines, 2015. Collection method: clinical testing. Allele origin: germline.

PreventionGenetics, part of Exact Sciences
Classification: Uncertain significance for HSPA9-related condition. Last evaluated: 2024-12-17. Review status: criteria provided, single submitter. Criteria: ACMG Guidelines, 2015. Collection method: clinical testing. Allele origin: germline.
Comment: The HSPA9 c.882_883delAG variant is predicted to result in premature protein termination (p.Val296*). This variant was reported in the compound heterozygous state in an individual with EVEN-plus syndrome (Royer-Bertrand et al. 2015. PubMed ID: 26598328) and apparently arose de novo in an individual with developmental delay (Supplementary Table 1, Deciphering Developmental Disorders Study. 2017. PubMed ID: 28135719). This variant is reported in 0.020% of alleles in individuals of European (Non-Finnish) descent in gnomAD. Although we suspect that this variant may be pathogenic, at this time, the clinical significance of this variant is uncertain due to the absence of conclusive functional and genetic evidence.

Blueprint Genetics
Classification: Likely pathogenic for HSPA9-related disorders. Last evaluated: 2024-09-04. Review status: criteria provided, single submitter. Criteria: ACMG Guidelines, 2015. Collection method: clinical testing. Allele origin: germline. Affected: yes. Observed: 5 variant alleles.

Greenwood Genetic Center Diagnostic Laboratories, Greenwood Genetic Center
Classification: Pathogenic for HSPA9-related disorder. Last evaluated: 2023-08-25. Review status: criteria provided, single submitter. Criteria: ACMG Guidelines, 2015. Collection method: clinical testing. Allele origin: germline. Affected: yes.
Comment: PVS1, PM6_Strong, PM1

Department of Pathology and Laboratory Medicine, Sinai Health System
Classification: Uncertain significance for autosomal dominant sideroblastic anemia. Last evaluated: 2020-05-23. Review status: criteria provided, single submitter. Criteria: ACMG Guidelines, 2015. Collection method: research. Allele origin: germline.

Centre for Mendelian Genomics, University Medical Centre Ljubljana
Classification: Pathogenic for Even-plus syndrome. Last evaluated: 2016-01-01. Review status: criteria provided, single submitter. Criteria: ACMG Guidelines, 2015. Collection method: clinical testing. Allele origin: unknown. Affected: yes.
Comment: This variant was classified as: Pathogenic.

OMIM
Classification: Pathogenic for EVEN-PLUS SYNDROME. Last evaluated: 2017-07-12. Review status: no assertion criteria provided. Collection method: literature only. Allele origin: germline. Not counted in ClinVar's aggregate classification.

Literature cited by the submitters: PubMed 26491070 (cited by Center for Genomic Medicine, Rigshospitalet, Copenhagen University Hospital); PubMed 26598328 (cited by Center for Genomic Medicine, Rigshospitalet, Copenhagen University Hospital and OMIM); PubMed 31338833 (cited by Center for Genomic Medicine, Rigshospitalet, Copenhagen University Hospital); PubMed 33398880 (cited by Center for Genomic Medicine, Rigshospitalet, Copenhagen University Hospital).

NM_004134.7(HSPA9):c.882_883del (p.Gly295_Val296insTer)

Gene: HSPA9 (heat shock protein family A (Hsp70) member 9; minus strand). Cytogenetic location: 5q31.2.
Variant type: Deletion.
Coding change: c.882_883del on transcript NM_004134.7 (MANE Select); coding-DNA positions 882 to 883, 2 bases deleted (AG; older notation c.882_883delAG).
Protein change: p.Gly295_Val296insTer.
Molecular consequence: frameshift variant.
Genome position (GRCh38, 1-based): chr5:138,566,715-138,566,716, CT deleted on the plus strand (AG on the coding strand, the reverse complement: HSPA9 is on the minus strand). VCF-style (leftmost placement, unchanged base first): chr5-138566714-CCT-C. GRCh37 (hg19) VCF-style: chr5-137902403-CCT-C.
Other names: c.882_883delAG (NM_004134.7, NM_004134.6).
Identifiers: ClinVar variation 224330 (VCV000224330.15), dbSNP rs772570880, ClinGen allele CA358723.